The following is an entry in ClinVar:

NM_018429.3(BDP1):c.6390G>A (p.Gly2130=)

Gene: BDP1 (BDP1 general transcription factor IIIB subunit; plus strand). Cytogenetic location: 5q13.2.
Variant type: single nucleotide variant.
Coding change: c.6390G>A on transcript NM_018429.3 (MANE Select); coding-DNA position 6390, G replaced by A.
Protein change: p.Gly2130=; no amino-acid change (glycine 2130 retained).
Molecular consequence: synonymous variant.
Genome position (GRCh38, 1-based): chr5:71,542,243, G>A. VCF-style: chr5-71542243-G-A. GRCh37 (hg19) VCF-style: chr5-70838070-G-A.
Identifiers: ClinVar variation 3035410 (VCV003035410.2), dbSNP rs758895091, ClinGen allele CA3297214.

ClinVar aggregate classification (germline): Likely benign (0 of 4 stars; one submission).

Conditions:
BDP1-related disorder. Also called: BDP1-related condition.

Allele frequency attached by ClinVar (database versions not stated): TOPMed below 0.00001; ExAC 0.00001; gnomAD 0.00001.
gnomAD v4.1: 11 of 1,609,502 alleles (0.00068%); highest among the groups gnomAD compares: Middle Eastern, 0.016%; no homozygotes.

Submission:

PreventionGenetics, part of Exact Sciences
Classification: Likely benign for BDP1-related condition. Last evaluated: 2019-08-08. Review status: no assertion criteria provided. Collection method: clinical testing. Allele origin: germline.
Comment: This variant is classified as likely benign based on ACMG/AMP sequence variant interpretation guidelines (Richards et al. 2015 PMID: 25741868, with internal and published modifications).